The following is an entry in ClinVar:

ClinVar aggregate classification (germline): Uncertain significance. Review status: criteria provided, multiple submitters, no conflicts (2 of 4 stars). 4 submissions from 4 submitters: Uncertain significance (4). Last evaluated 2026-03-23.

Conditions:
NPHP1-related disorder. Also called: NPHP1-related disorders; NPHP1-related condition.
Nephronophthisis. Also called: Juvenile Nephronophthisis. Identifiers: Orphanet 655, MedGen C0687120, MONDO:0019005, HP:0000090.
Senior-Loken syndrome 1 (SLSN1). Also called: JUVENILE NEPHRONOPHTHISIS WITH LEBER AMAUROSIS. Identifiers: Orphanet 3156, MedGen C4551559, MONDO:0009962, OMIM 266900.
Nephronophthisis 1 (NPHP1). Also called: Nephronophthisis familial juvenile. Identifiers: Orphanet 655, Orphanet 93592, MedGen C1855681, MONDO:0009728, OMIM 256100.
Joubert syndrome with renal defect. Also called: JOUBERT SYNDROME 4. Identifiers: Orphanet 220497, MedGen C1846790, MONDO:0012308, OMIM 609583.

Allele frequency attached by ClinVar (database versions not stated): gnomAD exomes below 0.00001; TOPMed below 0.00001; gnomAD 0.00001.
gnomAD v4.1: 4 of 1,602,100 alleles (0.00025%); highest among the groups gnomAD compares: African/African-American, 0.0013%; no homozygotes.

Submissions (4):

PreventionGenetics, part of Exact Sciences
Classification: Uncertain significance for NPHP1-related condition. Last evaluated: 2026-03-23. Review status: criteria provided, single submitter. Criteria: ACMG Guidelines, 2015. Collection method: clinical testing. Allele origin: germline.
Comment: The NPHP1 c.1117G>A variant is predicted to result in the amino acid substitution p.Gly373Ser. To our knowledge, this variant has not been reported in the literature or in gnomAD, indicating this variant is rare. At this time, the clinical significance of this variant is uncertain due to the absence of conclusive functional and genetic evidence.

Fulgent Genetics
Classification: Uncertain significance for Nephronophthisis 1; Senior-Loken syndrome 1; Joubert syndrome with renal defect. Last evaluated: 2024-05-25. Review status: criteria provided, single submitter. Criteria: ACMG Guidelines, 2015. Collection method: clinical testing. Allele origin: germline.

Labcorp Genetics (formerly Invitae), Labcorp
Classification: Uncertain significance for Nephronophthisis. Last evaluated: 2022-06-20. Review status: criteria provided, single submitter. Criteria: Invitae Variant Classification Sherloc (09022015). Collection method: clinical testing. Allele origin: germline.
Comment: In summary, the available evidence is currently insufficient to determine the role of this variant in disease. Therefore, it has been classified as a Variant of Uncertain Significance. Algorithms developed to predict the effect of missense changes on protein structure and function are either unavailable or do not agree on the potential impact of this missense change (SIFT: "Tolerated"; PolyPhen-2: "Possibly Damaging"; Align-GVGD: "Class C0"). ClinVar contains an entry for this variant (Variation ID: 593672). This variant has not been reported in the literature in individuals affected with NPHP1-related conditions. This variant is not present in population databases (gnomAD no frequency). This sequence change replaces glycine, which is neutral and non-polar, with serine, which is neutral and polar, at codon 373 of the NPHP1 protein (p.Gly373Ser).

Eurofins Ntd Llc (ga)
Classification: Uncertain significance. Last evaluated: 2017-08-15. Review status: criteria provided, single submitter. Criteria: EGL Classification Definitions 2015. Collection method: clinical testing. Allele origin: germline. Observed: 1 variant allele, 1 heterozygote.

NM_001128178.3(NPHP1):c.949G>A (p.Gly317Ser)

Gene: NPHP1 (nephrocystin 1; minus strand). Cytogenetic location: 2q13.
Variant type: single nucleotide variant.
Coding change: c.949G>A on transcript NM_001128178.3 (MANE Select); coding-DNA position 949, G replaced by A.
Protein change: p.Gly317Ser; replaces glycine 317 with serine.
Molecular consequence: missense variant.
Genome position (GRCh38, 1-based): chr2:110,161,608, C>T on the plus strand (G>A on the coding strand, the complement: NPHP1 is on the minus strand). VCF-style: chr2-110161608-C-T. GRCh37 (hg19) VCF-style: chr2-110919185-C-T.
Other names: c.1117G>A, p.Gly373Ser (NM_000272.5); c.760G>A, p.Gly254Ser (NM_001128179.3); c.946G>A, p.Gly316Ser (NM_001374256.1); c.949G>A, p.Gly317Ser (NM_001374257.1); c.1114G>A, p.Gly372Ser (NM_207181.4); c.1117G>A (NM_000272.4, NM_000272.3); short protein forms G373S, G254S, G317S, G372S, G316S.
Identifiers: ClinVar variation 593672 (VCV000593672.16), dbSNP rs1212929849, ClinGen allele CA348090009.